The following is an entry in ClinVar:

ClinVar aggregate classification (germline): Conflicting classifications of pathogenicity. Review status: criteria provided, conflicting classifications (1 of 4 stars). 2 submissions from 2 submitters: Likely pathogenic (1); Uncertain significance (1). Last evaluated 2024-05-08.

Conditions:
Familial hypokalemia-hypomagnesemia (GTLMNS). Also called: gitelman syndrome; HYPOMAGNESEMIA-HYPOKALEMIA, PRIMARY RENOTUBULAR, WITH HYPOCALCIURIA; POTASSIUM AND MAGNESIUM DEPLETION. Identifiers: Orphanet 358, MedGen C0268450, MONDO:0009904, OMIM 263800.

Allele frequency attached by ClinVar (database versions not stated): gnomAD exomes below 0.00001 and 0.00001; TOPMed below 0.00001; gnomAD 0.00001; ESP Exome Variant Server 0.00008.
gnomAD v4.1: 14 of 1,612,134 alleles (0.00087%); highest among the groups gnomAD compares: African/African-American, 0.0013%; no homozygotes.

Submissions (2):

Fulgent Genetics
Classification: Uncertain significance for Familial hypokalemia-hypomagnesemia. Last evaluated: 2024-05-08. Review status: criteria provided, single submitter. Criteria: ACMG Guidelines, 2015. Collection method: clinical testing. Allele origin: germline.

Labcorp Genetics (formerly Invitae), Labcorp
Classification: Likely pathogenic. Last evaluated: 2023-02-01. Review status: criteria provided, single submitter. Criteria: Invitae Variant Classification Sherloc (09022015). Collection method: clinical testing. Allele origin: germline.
Comment: In summary, the currently available evidence indicates that the variant is pathogenic, but additional data are needed to prove that conclusively. Therefore, this variant has been classified as Likely Pathogenic. Algorithms developed to predict the effect of sequence changes on RNA splicing suggest that this variant may disrupt the consensus splice site. ClinVar contains an entry for this variant (Variation ID: 651630). This variant has not been reported in the literature in individuals affected with SLC12A3-related conditions. This variant is present in population databases (rs377456965, gnomAD 0.0009%). This sequence change affects an acceptor splice site in intron 1 of the SLC12A3 gene. It is expected to disrupt RNA splicing. Variants that disrupt the donor or acceptor splice site typically lead to a loss of protein function (PMID: 16199547), and loss-of-function variants in SLC12A3 are known to be pathogenic (PMID: 20848653, 22009145, 25841442).

Literature cited by the submitters: PubMed 16199547 (cited by Labcorp Genetics (formerly Invitae), Labcorp); PubMed 20848653 (cited by Labcorp Genetics (formerly Invitae), Labcorp); PubMed 22009145 (cited by Labcorp Genetics (formerly Invitae), Labcorp); PubMed 25841442 (cited by Labcorp Genetics (formerly Invitae), Labcorp).

NM_001126108.2(SLC12A3):c.283-2A>C

Gene: SLC12A3 (solute carrier family 12 member 3; plus strand). Cytogenetic location: 16q13.
Variant type: single nucleotide variant.
Coding change: c.283-2A>C on transcript NM_001126108.2 (MANE Select); the canonical splice acceptor site of the intron before coding-DNA position 283, A replaced by C.
Molecular consequence: splice acceptor variant. On other transcripts: intron variant (2).
Genome position (GRCh38, 1-based): chr16:56,867,068, A>C. VCF-style: chr16-56867068-A-C. GRCh37 (hg19) VCF-style: chr16-56900980-A-C.
Other names: c.283-2A>C (NM_000339.3); c.283-5A>C (NM_001126107.2, NM_001410896.1).
Identifiers: ClinVar variation 651630 (VCV000651630.8), dbSNP rs377456965, ClinGen allele CA281492942.